The following is an entry in ClinVar:

NM_001378454.1(ALMS1):c.2339A>T (p.Asp780Val)

Gene: ALMS1 (ALMS1 centrosome and basal body associated protein; plus strand). Cytogenetic location: 2p13.1.
Variant type: single nucleotide variant.
Coding change: c.2339A>T on transcript NM_001378454.1 (MANE Select); coding-DNA position 2339, A replaced by T.
Protein change: p.Asp780Val; replaces aspartic acid 780 with valine.
Molecular consequence: missense variant.
Genome position (GRCh38, 1-based): chr2:73,448,866, A>T. VCF-style: chr2-73448866-A-T. GRCh37 (hg19) VCF-style: chr2-73675993-A-T.
Other names: c.2342A>T, p.Asp781Val (NM_015120.4); short protein forms D781V, D780V.
Identifiers: ClinVar variation 954416 (VCV000954416.9), dbSNP rs756716132, ClinGen allele CA347269708.

ClinVar aggregate classification (germline): Uncertain significance. Review status: criteria provided, single submitter (1 of 4 stars). 2 submissions from 2 submitters: Uncertain significance (1). 1 of the submissions does not count toward it. Last evaluated 2022-09-06.

Conditions:
Alstrom syndrome (ALMS). Identifiers: Orphanet 64, MedGen C0268425, MONDO:0008763, OMIM 203800.

Submissions (2):

Labcorp Genetics (formerly Invitae), Labcorp
Classification: Uncertain significance for Alstrom syndrome. Last evaluated: 2022-09-06. Review status: criteria provided, single submitter. Criteria: Invitae Variant Classification Sherloc (09022015). Collection method: clinical testing. Allele origin: germline.
Comment: In summary, the available evidence is currently insufficient to determine the role of this variant in disease. Therefore, it has been classified as a Variant of Uncertain Significance. ClinVar contains an entry for this variant (Variation ID: 954416). This variant has not been reported in the literature in individuals affected with ALMS1-related conditions. This variant is present in population databases (no rsID available, gnomAD 0.007%). This sequence change replaces aspartic acid with valine at codon 781 of the ALMS1 protein (p.Asp781Val). The aspartic acid residue is moderately conserved and there is a large physicochemical difference between aspartic acid and valine.

Natera, Inc.
Classification: Uncertain significance for Alstrom syndrome. Last evaluated: 2020-07-13. Review status: no assertion criteria provided. Collection method: clinical testing. Allele origin: germline. Not counted in ClinVar's aggregate classification.